The following is an entry in ClinVar:

ClinVar aggregate classification (germline): Pathogenic (1 of 4 stars; one submission).

Conditions:
Inborn genetic diseases. Identifiers: MedGen C0950123, MeSH D030342.

Submission:

Ambry Genetics
Classification: Pathogenic for Inborn genetic diseases. Last evaluated: 2025-08-28. Review status: criteria provided, single submitter. Criteria: Ambry Variant Classification Scheme 2023. Collection method: clinical testing. Allele origin: germline.
Comment: The c.3913_3917delCAGGG (p.Q1305Cfs*5) alteration, located in exon 24 (coding exon 24) of the CACNA1A gene, consists of a deletion of 5 nucleotides from position 3913 to 3917, causing a translational frameshift with a predicted alternate stop codon after 5 amino acids. This alteration is expected to result in loss of function by premature protein truncation or nonsense-mediated mRNA decay. for CACNA1A-related neurologic disorder; however, it is unlikely to be causative of CACNA1A-related neurologic disorder spinocerebellar ataxia. This variant was not reported in population-based cohorts in the Genome Aggregation Database (gnomAD). Based on the available evidence, this alteration is classified as pathogenic.

NM_001127222.2(CACNA1A):c.3910_3914del (p.Gln1304fs)

Genes: CACNA1A (calcium voltage-gated channel subunit alpha1 A; minus strand), LOC126862865 (CDK7 strongly-dependent group 2 enhancer GRCh37_chr19:13385818-13387017; plus strand). Cytogenetic location: 19p13.13.
Variant type: Deletion.
Coding change: c.3910_3914del on transcript NM_001127222.2 (MANE Select); coding-DNA positions 3910 to 3914, 5 bases deleted (CAGGG; older notation c.3910_3914delCAGGG).
Protein change: p.Gln1304fs; shifts the reading frame from glutamine 1304.
Molecular consequence: frameshift variant.
Genome position (GRCh38, 1-based): chr19:13,275,925-13,275,929, CCCTG deleted on the plus strand (CAGGG on the coding strand, the reverse complement: CACNA1A is on the minus strand). VCF-style (leftmost placement, unchanged base first): chr19-13275924-ACCCTG-A. GRCh37 (hg19) VCF-style: chr19-13386738-ACCCTG-A.
Other names: c.3922_3926del, p.Gln1308fs (NM_000068.4, NM_023035.3); c.3913_3917del, p.Gln1305fs (NM_001127221.2, NM_001174080.2); short protein forms Q1304fs, Q1308fs, Q1305fs.
Identifiers: ClinVar variation 4217719 (VCV004217719.1).
Genomic context (GRCh38, chr19:13,275,924, plus strand): 5'-TACCAGGGCCCCACTGACCACTATGAAGTCGAGAATATTCCAGAGGTCACGGAAGTAGGC[ACCCTG>A]ATGCAGGACGAGCCCCAGGTCAATCATCTGTGGGGGAGAAGAGAGGGTGCTCAGAACCCC-3'